The following is an entry in ClinVar:

NM_000400.4(ERCC2):c.1480-1G>C

Gene: ERCC2 (ERCC excision repair 2, TFIIH core complex helicase subunit; minus strand). Cytogenetic location: 19q13.32.
Variant type: single nucleotide variant.
Coding change: c.1480-1G>C on transcript NM_000400.4 (MANE Select); the canonical splice acceptor site of the intron before coding-DNA position 1480, G replaced by C.
Molecular consequence: splice acceptor variant.
Genome position (GRCh38, 1-based): chr19:45,355,729, C>G on the plus strand (G>C on the coding strand, the complement: ERCC2 is on the minus strand). VCF-style: chr19-45355729-C-G. GRCh37 (hg19) VCF-style: chr19-45858987-C-G.
Identifiers: ClinVar variation 2168783 (VCV002168783.8), dbSNP rs375284572, ClinGen allele CA9513253.
Genomic context (GRCh38, chr19:45,355,729, plus strand): 5'-ATCCTCCCGGGTCTCAAATTTGGAGCTGATGGCCACCTGGTCATTGCCACGGCCGATGAT[C>G]TGGAGAGCAACAGAGGTCACGATAAGCGAGGCAGCAGCAACTGCTCCAGCGTGAGTGCTG-3'

ClinVar aggregate classification (germline): Pathogenic/Likely pathogenic. Review status: criteria provided, multiple submitters, no conflicts (2 of 4 stars). 4 submissions from 4 submitters: Pathogenic (2); Likely pathogenic (2). Last evaluated 2025-12-19.

Conditions:
Trichothiodystrophy. Identifiers: Orphanet 33364, MedGen C1955934, MONDO:0018053.
Cerebrooculofacioskeletal syndrome 2 (COFS2). Identifiers: MedGen C1853102, MONDO:0012553, OMIM 610756.

Allele frequency attached by ClinVar (database versions not stated): ExAC 0.00002; gnomAD 0.00002; TOPMed 0.00003; gnomAD exomes 0.00007; ESP Exome Variant Server 0.00008.
gnomAD v4.1: 113 of 1,613,788 alleles (0.007%); highest among the groups gnomAD compares: Non-Finnish European, 0.0091%; no homozygotes.

Submissions (4):

Labcorp Genetics (formerly Invitae), Labcorp
Classification: Pathogenic. Last evaluated: 2025-12-19. Review status: criteria provided, single submitter. Criteria: Invitae Variant Classification Sherloc (09022015). Collection method: clinical testing. Allele origin: germline.
Comment: This sequence change affects an acceptor splice site in intron 15 of the ERCC2 gene. It is expected to disrupt RNA splicing. Variants that disrupt the donor or acceptor splice site typically lead to a loss of protein function (PMID: 16199547), and loss-of-function variants in ERCC2 are known to be pathogenic (PMID: 9238033, 11335038, 19085937, 19934020). This variant is present in population databases (rs375284572, gnomAD 0.005%). Disruption of this splice site has been observed in individual(s) with trichothiodystrophy (PMID: 31282071). In at least one individual the data is consistent with being in trans (on the opposite chromosome) from a pathogenic variant. It has also been observed to segregate with disease in related individuals. ClinVar contains an entry for this variant (Variation ID: 2168783). Algorithms developed to predict the effect of sequence changes on RNA splicing suggest that this variant may disrupt the consensus splice site. For these reasons, this variant has been classified as Pathogenic.

Women's Health and Genetics/Laboratory Corporation of America, LabCorp
Classification: Likely pathogenic for Trichothiodystrophy. Last evaluated: 2024-09-10. Review status: criteria provided, single submitter. Criteria: LabCorp Variant Classification Summary - May 2015. Collection method: clinical testing. Allele origin: germline.
Comment: Variant summary: ERCC2 c.1480-1G>C is located in a canonical splice-site and is predicted to affect mRNA splicing resulting in a significantly altered protein due to either exon skipping, shortening, or inclusion of intronic material. Variants that disrupt the consensus splice site are a relatively common cause of aberrant splicing and loss of ERCC2 function. Several computational tools predict a significant impact on normal splicing: Four predict the variant abolishes a 3' acceptor site. However, these predictions have yet to be confirmed by functional studies. The variant allele was found at a frequency of 2e-05 in 251416 control chromosomes. c.1480-1G>C has been reported in the literature in individuals affected with trichothiodystrophy. These data indicate that the variant may be associated with disease. To our knowledge, no experimental evidence demonstrating an impact on protein function has been reported. The following publication have been ascertained in the context of this evaluation (PMID: 31282071). ClinVar contains an entry for this variant (Variation ID: 2168783). Based on the evidence outlined above, the variant was classified as likely pathogenic.

Baylor Genetics
Classification: Likely pathogenic for Cerebrooculofacioskeletal syndrome 2. Last evaluated: 2024-03-01. Review status: criteria provided, single submitter. Criteria: ACMG Guidelines, 2015. Collection method: clinical testing. Allele origin: unknown.

GeneDx
Classification: Pathogenic. Last evaluated: 2023-04-11. Review status: criteria provided, single submitter. Criteria: GeneDx Variant Classification Process June 2021. Collection method: clinical testing. Allele origin: germline. Affected: yes.
Comment: Canonical splice site variant predicted to result in a null allele in a gene for which loss-of-function is a known mechanism of disease; Not observed at significant frequency in large population cohorts (gnomAD); This variant is associated with the following publications: (PMID: 31282071)

Literature cited by the submitters: PubMed 16199547 (cited by Labcorp Genetics (formerly Invitae), Labcorp); PubMed 9238033 (cited by Labcorp Genetics (formerly Invitae), Labcorp); PubMed 11335038 (cited by Labcorp Genetics (formerly Invitae), Labcorp); PubMed 19085937 (cited by Labcorp Genetics (formerly Invitae), Labcorp); PubMed 19934020 (cited by Labcorp Genetics (formerly Invitae), Labcorp); PubMed 31282071 (cited by Labcorp Genetics (formerly Invitae), Labcorp and Women's Health and Genetics/Laboratory Corporation of America, LabCorp).